The following is an entry in ClinVar:

ClinVar aggregate classification (germline): Uncertain significance (1 of 4 stars; one submission).

Allele frequency attached by ClinVar (database versions not stated): gnomAD exomes 0.00001; gnomAD 0.00001.
gnomAD v4.1: 6 of 1,613,662 alleles (0.00037%); highest among the groups gnomAD compares: Non-Finnish European, 0.00051%; no homozygotes.

Submission:

Labcorp Genetics (formerly Invitae), Labcorp
Classification: Uncertain significance. Last evaluated: 2022-11-01. Review status: criteria provided, single submitter. Criteria: Invitae Variant Classification Sherloc (09022015). Collection method: clinical testing. Allele origin: germline.
Comment: This sequence change replaces glutamine, which is neutral and polar, with arginine, which is basic and polar, at codon 1465 of the PCDH15 protein (p.Gln1465Arg). This variant is present in population databases (no rsID available, gnomAD 0.007%). This variant has not been reported in the literature in individuals affected with PCDH15-related conditions. ClinVar contains an entry for this variant (Variation ID: 1479405). Algorithms developed to predict the effect of missense changes on protein structure and function (SIFT, PolyPhen-2, Align-GVGD) all suggest that this variant is likely to be tolerated. Algorithms developed to predict the effect of sequence changes on RNA splicing suggest that this variant may create or strengthen a splice site. In summary, the available evidence is currently insufficient to determine the role of this variant in disease. Therefore, it has been classified as a Variant of Uncertain Significance.

NM_033056.4(PCDH15):c.4394A>G (p.Gln1465Arg)

Gene: PCDH15 (protocadherin related 15; minus strand). Cytogenetic location: 10q21.1.
Variant type: single nucleotide variant.
Coding change: c.4394A>G on transcript NM_033056.4 (MANE Plus Clinical); coding-DNA position 4394, A replaced by G.
Protein change: p.Gln1465Arg; replaces glutamine 1465 with arginine.
Molecular consequence: missense variant. On other transcripts: intron variant (8).
Genome position (GRCh38, 1-based): chr10:53,823,332, T>C on the plus strand (A>G on the coding strand, the complement: PCDH15 is on the minus strand). VCF-style: chr10-53823332-T-C. GRCh37 (hg19) VCF-style: chr10-55583092-T-C.
Other names: c.4415A>G, p.Gln1472Arg (NM_001142763.2); c.4400A>G, p.Gln1467Arg (NM_001142764.2); c.4187A>G, p.Gln1396Arg (NM_001142765.2); c.4385A>G, p.Gln1462Arg (NM_001142766.2); c.4274A>G, p.Gln1425Arg (NM_001142767.2); c.4334A>G, p.Gln1445Arg (NM_001142768.2); c.4325A>G, p.Gln1442Arg (NM_001142773.2); c.4328A>G, p.Gln1443Arg (NM_001354404.2); and 6 more; short protein forms Q1396R, Q1443R, Q1425R, Q1462R, Q1445R, Q1442R, Q1465R, Q1467R.
Identifiers: ClinVar variation 1479405 (VCV001479405.8), dbSNP rs1393874885, ClinGen allele CA376527432.
Genomic context (GRCh38, chr10:53,823,332, plus strand): 5'-AAGGGCATCACAACTTGTTGATGTTTCCTGTCTTCTGAGACTGAGTTATTTCCCCTGCTT[T>C]GTTGAAAATGGTAGAGAAGGAAAAGACTTGAAAGAAAAGAAGATAATGAAATGTAAGGAA-3'
Protein context (NP_149045.3, residues 1455-1475): SILFLLYHFQ[Gln1465Arg]SRGNNSVSED